The following is an entry in ClinVar:

NM_001384474.1(LOXHD1):c.3024C>T (p.Val1008=)

Gene: LOXHD1 (lipoxygenase homology PLAT domains 1; minus strand). Cytogenetic location: 18q21.1.
Variant type: single nucleotide variant.
Coding change: c.3024C>T on transcript NM_001384474.1 (MANE Select); coding-DNA position 3024, C replaced by T.
Protein change: p.Val1008=; no amino-acid change (valine 1008 retained).
Molecular consequence: synonymous variant.
Genome position (GRCh38, 1-based): chr18:46,560,120, G>A on the plus strand (C>T on the coding strand, the complement: LOXHD1 is on the minus strand). VCF-style: chr18-46560120-G-A. GRCh37 (hg19) VCF-style: chr18-44140083-G-A.
Other names: c.3024C>T, p.Val1008= (NM_144612.7).
Identifiers: ClinVar variation 227515 (VCV000227515.49), dbSNP rs370616818, ClinGen allele CA8952582.

ClinVar aggregate classification (germline): Conflicting classifications of pathogenicity. Review status: criteria provided, conflicting classifications (1 of 4 stars). 9 submissions from 9 submitters: Uncertain significance (1); Benign (1); Likely benign (4). 3 of the submissions do not count toward it. Last evaluated 2026-01-18.

Conditions:
LOXHD1-related disorder. Also called: LOXHD1-related condition.
Autosomal recessive nonsyndromic hearing loss 77. Identifiers: Orphanet 90636, MedGen C2746083, MONDO:0013119, OMIM 613079.

Allele frequency attached by ClinVar (database versions not stated): 1000 Genomes Project 30x 0.00016; ExAC 0.00061; gnomAD exomes 0.00099; TOPMed 0.00099; ESP Exome Variant Server 0.00131; gnomAD 0.00133 and 0.00138.
gnomAD v4.1: 2,053 of 1,270,194 alleles (0.16%); highest among the groups gnomAD compares: Non-Finnish European, 0.19%; 3 homozygotes.

Submissions (9):

Labcorp Genetics (formerly Invitae), Labcorp
Classification: Benign. Last evaluated: 2026-01-18. Review status: criteria provided, single submitter. Criteria: Invitae Variant Classification Sherloc (09022015). Collection method: clinical testing. Allele origin: germline.

Blueprint Genetics
Classification: Likely benign. Last evaluated: 2024-11-15. Review status: criteria provided, single submitter. Criteria: ACMG Guidelines, 2015. Collection method: clinical testing. Allele origin: germline.

CeGaT Center for Human Genetics Tuebingen
Classification: Likely benign. Last evaluated: 2022-06-01. Review status: criteria provided, single submitter. Criteria: CeGaT Center For Human Genetics Tuebingen Variant Classification Criteria Version 2. Collection method: clinical testing. Allele origin: germline. Affected: yes. Observed: 1 variant allele.
Comment: LOXHD1: BP4, BP7

GeneDx
Classification: Likely benign. Last evaluated: 2018-06-22. Review status: criteria provided, single submitter. Criteria: GeneDx Variant Classification Process June 2021. Collection method: clinical testing. Allele origin: germline. Affected: yes.

Illumina Laboratory Services, Illumina
Classification: Uncertain significance for Autosomal recessive nonsyndromic hearing loss 77. Last evaluated: 2018-01-13. Review status: criteria provided, single submitter. Criteria: ICSL Variant Classification Criteria 13 December 2019. Collection method: clinical testing. Allele origin: germline.

Laboratory for Molecular Medicine, Mass General Brigham Personalized Medicine
Classification: Likely benign. Last evaluated: 2015-08-18. Review status: criteria provided, single submitter. Criteria: LMM Criteria. Collection method: clinical testing. Allele origin: germline. Observed: 3 variant alleles.
Comment: p.Val1008Val in exon 19 of LOXHD1: This variant is not expected to have clinical significance because it does not alter an amino acid residue, is not located wi thin the splice consensus sequence, and has been identified in 0.4% (5/1210) of Finnish chromosomes by the Exome Aggregation Consortium (ExAC; dbSNP rs370616818).

Natera, Inc.
Classification: Likely benign for Autosomal recessive deafness type 77. Last evaluated: 2019-12-17. Review status: no assertion criteria provided. Collection method: clinical testing. Allele origin: germline. Not counted in ClinVar's aggregate classification.

PreventionGenetics, part of Exact Sciences
Classification: Likely benign for LOXHD1-related condition. Last evaluated: 2019-02-20. Review status: no assertion criteria provided. Collection method: clinical testing. Allele origin: germline. Not counted in ClinVar's aggregate classification.
Comment: This variant is classified as likely benign based on ACMG/AMP sequence variant interpretation guidelines (Richards et al. 2015 PMID: 25741868, with internal and published modifications).

Counsyl
Classification: Likely benign for Autosomal recessive nonsyndromic hearing loss 77. Last evaluated: 2017-11-03. Review status: no assertion criteria provided. Collection method: clinical testing. Allele origin: unknown. Not counted in ClinVar's aggregate classification.